The following is an entry in ClinVar:

ClinVar aggregate classification (germline): Uncertain significance (1 of 4 stars; one submission).

Conditions:
Symmetrical dyschromatosis of extremities (DSH). Also called: RETICULATE ACROPIGMENTATION OF DOHI; SYMMETRIC DYSCHROMATOSIS OF THE EXTREMITIES; DYSCHROMATOSIS SYMMETRICA HEREDITARIA 1; Dyschromatosis symmetrica hereditaria. Identifiers: Orphanet 41, MedGen C0406775, MONDO:0007483, OMIM 127400.
Aicardi-Goutieres syndrome 6 (AGS6). Identifiers: Orphanet 51, MedGen C3539013, MONDO:0014007, OMIM 615010.

Submission:

Labcorp Genetics (formerly Invitae), Labcorp
Classification: Uncertain significance for Aicardi-Goutieres syndrome 6; Symmetrical dyschromatosis of extremities. Last evaluated: 2024-02-07. Review status: criteria provided, single submitter. Criteria: Invitae Variant Classification Sherloc (09022015). Collection method: clinical testing. Allele origin: germline.
Comment: This sequence change replaces glycine, which is neutral and non-polar, with serine, which is neutral and polar, at codon 837 of the ADAR protein (p.Gly837Ser). This variant is not present in population databases (gnomAD no frequency). This variant has not been reported in the literature in individuals affected with ADAR-related conditions. Advanced modeling of protein sequence and biophysical properties (such as structural, functional, and spatial information, amino acid conservation, physicochemical variation, residue mobility, and thermodynamic stability) has been performed at Invitae for this missense variant, however the output from this modeling did not meet the statistical confidence thresholds required to predict the impact of this variant on ADAR protein function. In summary, the available evidence is currently insufficient to determine the role of this variant in disease. Therefore, it has been classified as a Variant of Uncertain Significance.

NM_001111.5(ADAR):c.2509G>A (p.Gly837Ser)

Gene: ADAR (adenosine deaminase RNA specific; minus strand). Cytogenetic location: 1q21.3.
Variant type: single nucleotide variant.
Coding change: c.2509G>A on transcript NM_001111.5 (MANE Select); coding-DNA position 2509, G replaced by A.
Protein change: p.Gly837Ser; replaces glycine 837 with serine.
Molecular consequence: missense variant.
Genome position (GRCh38, 1-based): chr1:154,589,916, C>T on the plus strand (G>A on the coding strand, the complement: ADAR is on the minus strand). VCF-style: chr1-154589916-C-T. GRCh37 (hg19) VCF-style: chr1-154562392-C-T.
Other names: c.1624G>A, p.Gly542Ser (NM_001025107.3, NM_001193495.2, NM_001365046.1 and 2 more transcripts); c.2536G>A, p.Gly846Ser (NM_001365045.1); c.1546G>A, p.Gly516Ser (NM_001365049.1); c.2431G>A, p.Gly811Ser (NM_015840.4); c.2374G>A, p.Gly792Ser (NM_015841.4); short protein forms G811S, G837S, G542S, G846S, G516S, G792S.
Identifiers: ClinVar variation 2946342 (VCV002946342.3), dbSNP rs2526515395, ClinGen allele CA342637093.